The following is an entry in ClinVar:

NM_001128922.2(LRRC32):c.592C>T (p.Arg198Cys)

Genes: LRRC32 (leucine rich repeat containing 32; minus strand), LRRC32-AS1 (LRRC32 antisense RNA 1; plus strand). Cytogenetic location: 11q13.5.
Variant type: single nucleotide variant.
Coding change: c.592C>T on transcript NM_001128922.2 (MANE Select); coding-DNA position 592, C replaced by T.
Protein change: p.Arg198Cys; replaces arginine 198 with cysteine.
Molecular consequence: missense variant. On other transcripts: non-coding transcript variant (1), intron variant (1).
Genome position (GRCh38, 1-based): chr11:76,661,001, G>A on the plus strand (C>T on the coding strand, the complement: LRRC32 is on the minus strand). VCF-style: chr11-76661001-G-A. GRCh37 (hg19) VCF-style: chr11-76372045-G-A.
Other names: c.85-2967C>T (NM_001370191.1); c.592C>T, p.Arg198Cys (NM_001370187.1, NM_001370188.1, NM_005512.3); c.526C>T, p.Arg176Cys (NM_001370189.1); c.262C>T, p.Arg88Cys (NM_001370190.1); short protein forms R176C, R198C, R88C.
Identifiers: ClinVar variation 2642171 (VCV002642171.24), dbSNP rs369287185, ClinGen allele CA6194815.

ClinVar aggregate classification (germline): Likely benign (1 of 4 stars; one submission).

Allele frequency attached by ClinVar (database versions not stated): TOPMed 0.00002; gnomAD 0.00003; gnomAD exomes 0.00003; ExAC 0.00008; ESP Exome Variant Server 0.00008.
gnomAD v4.1: 47 of 1,613,982 alleles (0.0029%); highest among the groups gnomAD compares: South Asian, 0.022%; no homozygotes.

Submission:

CeGaT Center for Human Genetics Tuebingen
Classification: Likely benign. Last evaluated: 2023-10-01. Review status: criteria provided, single submitter. Criteria: CeGaT Center For Human Genetics Tuebingen Variant Classification Criteria Version 2. Collection method: clinical testing. Allele origin: germline. Affected: yes. Observed: 1 variant allele.
Comment: LRRC32: BP4, BS2